The following is an entry in ClinVar:

ClinVar aggregate classification (germline): Uncertain significance (1 of 4 stars; one submission).

Conditions:
Emery-Dreifuss muscular dystrophy 5, autosomal dominant (EDMD5). Also called: EMERY-DREIFUSS MUSCULAR DYSTROPHY 5. Identifiers: Orphanet 261, MedGen C2751805, MONDO:0013072, OMIM 612999.

Allele frequency attached by ClinVar (database versions not stated): ExAC 0.00002; 1000 Genomes Project 30x 0.00031; 1000 Genomes Project 0.00040.
gnomAD v4.1: 15 of 1,613,952 alleles (0.00093%); highest among the groups gnomAD compares: Middle Eastern, 0.016%; no homozygotes.

Submission:

Labcorp Genetics (formerly Invitae), Labcorp
Classification: Uncertain significance for Emery-Dreifuss muscular dystrophy 5, autosomal dominant. Last evaluated: 2025-07-15. Review status: criteria provided, single submitter. Criteria: Invitae Variant Classification Sherloc (09022015). Collection method: clinical testing. Allele origin: germline.
Comment: This sequence change replaces serine, which is neutral and polar, with arginine, which is basic and polar, at codon 1896 of the SYNE2 protein (p.Ser1896Arg). This variant is present in population databases (rs200730189, gnomAD 0.02%). This variant has not been reported in the literature in individuals affected with SYNE2-related conditions. ClinVar contains an entry for this variant (Variation ID: 1941843). An algorithm developed to predict the effect of missense changes on protein structure and function (PolyPhen-2) suggests that this variant is likely to be tolerated. In summary, the available evidence is currently insufficient to determine the role of this variant in disease. Therefore, it has been classified as a Variant of Uncertain Significance.

NM_182914.3(SYNE2):c.5688C>A (p.Ser1896Arg)

Gene: SYNE2 (spectrin repeat containing nuclear envelope protein 2; plus strand). Cytogenetic location: 14q23.2.
Variant type: single nucleotide variant.
Coding change: c.5688C>A on transcript NM_182914.3 (MANE Select); coding-DNA position 5688, C replaced by A.
Protein change: p.Ser1896Arg; replaces serine 1896 with arginine.
Molecular consequence: missense variant.
Genome position (GRCh38, 1-based): chr14:64,024,307, C>A. VCF-style: chr14-64024307-C-A. GRCh37 (hg19) VCF-style: chr14-64491025-C-A.
Other names: c.5688C>A, p.Ser1896Arg (NM_015180.6); short protein forms S1896R.
Identifiers: ClinVar variation 1941843 (VCV001941843.5), dbSNP rs200730189, ClinGen allele CA7220533.